The following is an entry in ClinVar:

ClinVar aggregate classification (germline): Conflicting classifications of pathogenicity. Review status: criteria provided, conflicting classifications (1 of 4 stars). 2 submissions from 2 submitters: Uncertain significance (1); Likely benign (1). Last evaluated 2022-03-28.

Conditions:
Fanconi anemia (FA). Also called: Fanconi's anemia. Identifiers: Orphanet 84, MedGen C0015625, MeSH D005199, MONDO:0019391.

Submissions (2):

GeneDx
Classification: Uncertain significance. Last evaluated: 2022-03-28. Review status: criteria provided, single submitter. Criteria: GeneDx Variant Classification Process June 2021. Collection method: clinical testing. Allele origin: germline. Affected: yes.
Comment: In-silico analysis is inconclusive as to whether the variant alters gene splicing. In the absence of RNA/functional studies, the actual effect of this sequence change is unknown.; Not observed at significant frequency in large population cohorts (gnomAD); Has not been previously published as pathogenic or benign to our knowledge

Labcorp Genetics (formerly Invitae), Labcorp
Classification: Likely benign for Fanconi anemia. Last evaluated: 2021-03-30. Review status: criteria provided, single submitter. Criteria: Invitae Variant Classification Sherloc (09022015). Collection method: clinical testing. Allele origin: germline.

NM_020937.4(FANCM):c.2161-4dup

Gene: FANCM (FA complementation group M; plus strand). Cytogenetic location: 14q21.2.
Variant type: Duplication.
Coding change: c.2161-4dup on transcript NM_020937.4 (MANE Select); 4 bases into the intron before coding-DNA position 2161, one base duplicated (T; older notation c.2161-4dupT).
Molecular consequence: intron variant.
Genome position (GRCh38, 1-based): chr14:45,173,051, T duplicated; the last of 2 consecutive T bases (chr14:45,173,050-45,173,051); duplicating either gives the same sequence. VCF-style (leftmost placement, unchanged base first): chr14-45173049-A-AT. GRCh37 (hg19) VCF-style: chr14-45642252-A-AT.
Other names: c.2083-4dup (NM_001308133.2).
Identifiers: ClinVar variation 1558515 (VCV001558515.9), dbSNP rs2139234396, ClinGen allele CA2573149954.